The following is an entry in ClinVar:

ClinVar aggregate classification (germline): Likely pathogenic (1 of 4 stars; one submission).

Conditions:
Cockayne syndrome type 1. Also called: Cockayne syndrome type I; Cockayne syndrome classical; Cockayne syndrome classic form. Identifiers: Orphanet 191, Orphanet 90321, MedGen C0751039, MONDO:0019569, OMIM 216400.

Submission:

Myriad Genetics, Inc.
Classification: Likely pathogenic for Cockayne syndrome type 1. Last evaluated: 2026-03-23. Review status: criteria provided, single submitter. Criteria: Myriad Autosomal Dominant, Autosomal Recessive and X-Linked Classification Criteria (2023). Collection method: clinical testing. Allele origin: unknown.
Comment: NM_000082.3(ERCC8):c.2T>A(M1?) is an initiation codon variant classified as likely pathogenic in the context of ERCC8-related disorders. M1? has been observed in cases with relevant disease (PMID: 29057985, 29572252). Relevant functional assessments of this variant are not available in the literature. M1? has not been observed in referenced population frequency databases. In summary, NM_000082.3(ERCC8):c.2T>A(M1?) is an initiation codon variant that has been observed more frequently in cases with the relevant disease than in healthy populations. Please note: this variant was assessed in the context of healthy population screening.

Literature cited by the submitters: PubMed 29057985; PubMed 29572252.

NM_000082.4(ERCC8):c.2T>A (p.Met1Lys)

Gene: ERCC8 (ERCC excision repair 8, CSA ubiquitin ligase complex subunit; minus strand). Cytogenetic location: 5q12.1.
Variant type: single nucleotide variant.
Coding change: c.2T>A on transcript NM_000082.4 (MANE Select); coding-DNA position 2, T replaced by A.
Protein change: p.Met1Lys; changes the start codon (methionine 1).
Molecular consequence: missense variant, initiator codon variant. On other transcripts: 5 prime UTR variant (2).
Genome position (GRCh38, 1-based): chr5:60,945,007, A>T on the plus strand (T>A on the coding strand, the complement: ERCC8 is on the minus strand). VCF-style: chr5-60945007-A-T. GRCh37 (hg19) VCF-style: chr5-60240834-A-T.
Other names: c.-391T>A (NM_001007233.3); c.2T>A, p.Met1Lys (NM_001007234.3); c.-376T>A (NM_001290285.2); short protein forms M1K.
Identifiers: ClinVar variation 5003377 (VCV005003377.1).